The following is an entry in ClinVar:

NM_080680.3(COL11A2):c.2627G>T (p.Arg876Met)

Gene: COL11A2 (collagen type XI alpha 2 chain; minus strand). Cytogenetic location: 6p21.32.
Variant type: single nucleotide variant.
Coding change: c.2627G>T on transcript NM_080680.3 (MANE Select); coding-DNA position 2627, G replaced by T.
Protein change: p.Arg876Met; replaces arginine 876 with methionine.
Molecular consequence: missense variant.
Genome position (GRCh38, 1-based): chr6:33,173,702, C>A on the plus strand (G>T on the coding strand, the complement: COL11A2 is on the minus strand). VCF-style: chr6-33173702-C-A. GRCh37 (hg19) VCF-style: chr6-33141479-C-A.
Other names: c.2306G>T, p.Arg769Met (NM_080679.3); c.2369G>T, p.Arg790Met (NM_080681.3); short protein forms R769M, R790M, R876M.
Identifiers: ClinVar variation 1702454 (VCV001702454.6), dbSNP rs745859259, ClinGen allele CA363642295.
Genomic context (GRCh38, chr6:33,173,702, plus strand): 5'-CTGGCTCACCCAGGCTCCCTGGGGACCTCAGGGGAAGGGGACTTTCGATCCACACTCACC[C>A]TCTCTCCAGGGGGCCCATGGGGGCCATCACCACCAGATGTTCCCTGTGGGGGGAAACAGA-3'
Protein context (NP_542411.2, residues 866-886): GDGPHGPPGE[Arg876Met]GLPGPQGPNG

ClinVar aggregate classification (germline): Uncertain significance. Review status: criteria provided, multiple submitters, no conflicts (2 of 4 stars). 2 submissions from 2 submitters: Uncertain significance (2). Last evaluated 2025-03-18.

Conditions:
Connective tissue disorder. Also called: Connective tissue disease. Identifiers: MedGen C0009782, MONDO:0003900.

Submissions (2):

Labcorp Genetics (formerly Invitae), Labcorp
Classification: Uncertain significance. Last evaluated: 2025-03-18. Review status: criteria provided, single submitter. Criteria: Invitae Variant Classification Sherloc (09022015). Collection method: clinical testing. Allele origin: germline.
Comment: This sequence change replaces arginine, which is basic and polar, with methionine, which is neutral and non-polar, at codon 876 of the COL11A2 protein (p.Arg876Met). This variant is not present in population databases (gnomAD no frequency). This variant has not been reported in the literature in individuals affected with COL11A2-related conditions. ClinVar contains an entry for this variant (Variation ID: 1702454). An algorithm developed to predict the effect of missense changes on protein structure and function (PolyPhen-2) suggests that this variant is likely to be disruptive. In summary, the available evidence is currently insufficient to determine the role of this variant in disease. Therefore, it has been classified as a Variant of Uncertain Significance.

Genome Diagnostics Laboratory, The Hospital for Sick Children
Classification: Uncertain significance for Connective tissue disorder. Last evaluated: 2018-08-15. Review status: criteria provided, single submitter. Criteria: ACMG Guidelines, 2015. Collection method: clinical testing. Allele origin: germline.